The following is an entry in ClinVar:

ClinVar aggregate classification (germline): Uncertain significance (1 of 4 stars; one submission).

Submission:

Ambry Genetics
Classification: Uncertain significance. Last evaluated: 2023-09-27. Review status: criteria provided, single submitter. Criteria: Ambry Variant Classification Scheme 2023. Collection method: clinical testing. Allele origin: germline.
Comment: The p.S422G variant (also known as c.1264A>G), located in coding exon 13 of the NPAT gene, results from an A to G substitution at nucleotide position 1264. The serine at codon 422 is replaced by glycine, an amino acid with similar properties. This amino acid position is conserved. In addition, this alteration is predicted to be tolerated by in silico analysis. Since supporting evidence is limited at this time, the clinical significance of this alteration remains unclear.

NM_002519.3(NPAT):c.1264A>G (p.Ser422Gly)

Gene: NPAT (nuclear protein, coactivator of histone transcription; minus strand). Cytogenetic location: 11q22.3.
Variant type: single nucleotide variant.
Coding change: c.1264A>G on transcript NM_002519.3 (MANE Select); coding-DNA position 1264, A replaced by G.
Protein change: p.Ser422Gly; replaces serine 422 with glycine.
Molecular consequence: missense variant.
Genome position (GRCh38, 1-based): chr11:108,173,720, T>C on the plus strand (A>G on the coding strand, the complement: NPAT is on the minus strand). VCF-style: chr11-108173720-T-C. GRCh37 (hg19) VCF-style: chr11-108044447-T-C.
Other names: c.1264A>G, p.Ser422Gly (NM_001321307.1); short protein forms S422G.
Identifiers: ClinVar variation 3222454 (VCV003222454.1), dbSNP rs2077978356, ClinGen allele CA382515815.